The following is an entry in ClinVar:

ClinVar aggregate classification (germline): Uncertain significance. Review status: criteria provided, multiple submitters, no conflicts (2 of 4 stars). 2 submissions from 2 submitters: Uncertain significance (2). Last evaluated 2025-05-08.

Conditions:
Arrhythmogenic right ventricular dysplasia 11. Also called: ARRHYTHMOGENIC RIGHT VENTRICULAR DYSPLASIA, FAMILIAL, 11; Arrhythmogenic Right Ventricular Dysplasia/Cardiomyopathy11; Arrhythmogenic right ventricular dysplasia 11 with mild palmoplantar keratoderma and woolly hair. Identifiers: MedGen C1864850, MONDO:0012506, OMIM 610476.

gnomAD v4.1: 4 of 1,584,916 alleles (0.00025%); highest among the groups gnomAD compares: African/African-American, 0.0027%; no homozygotes.

Submissions (2):

Labcorp Genetics (formerly Invitae), Labcorp
Classification: Uncertain significance for Arrhythmogenic right ventricular dysplasia 11. Last evaluated: 2025-05-08. Review status: criteria provided, single submitter. Criteria: Invitae Variant Classification Sherloc (09022015). Collection method: clinical testing. Allele origin: germline.
Comment: This sequence change replaces isoleucine, which is neutral and non-polar, with valine, which is neutral and non-polar, at codon 26 of the DSC2 protein (p.Ile26Val). This variant is not present in population databases (gnomAD no frequency). This variant has not been reported in the literature in individuals affected with DSC2-related conditions. ClinVar contains an entry for this variant (Variation ID: 2722244). Invitae Evidence Modeling of protein sequence and biophysical properties (such as structural, functional, and spatial information, amino acid conservation, physicochemical variation, residue mobility, and thermodynamic stability) indicates that this missense variant is not expected to disrupt DSC2 protein function with a negative predictive value of 80%. In summary, the available evidence is currently insufficient to determine the role of this variant in disease. Therefore, it has been classified as a Variant of Uncertain Significance.

Blueprint Genetics
Classification: Uncertain significance. Last evaluated: 2022-01-12. Review status: criteria provided, single submitter. Criteria: ACMG Guidelines, 2015. Collection method: clinical testing. Allele origin: germline.

NM_024422.6(DSC2):c.76A>G (p.Ile26Val)

Gene: DSC2 (desmocollin 2; minus strand). Cytogenetic location: 18q12.1.
Variant type: single nucleotide variant.
Coding change: c.76A>G on transcript NM_024422.6 (MANE Select); coding-DNA position 76, A replaced by G.
Protein change: p.Ile26Val; replaces isoleucine 26 with valine.
Molecular consequence: missense variant. On other transcripts: 5 prime UTR variant (2).
Genome position (GRCh38, 1-based): chr18:31,093,637, T>C on the plus strand (A>G on the coding strand, the complement: DSC2 is on the minus strand). VCF-style: chr18-31093637-T-C. GRCh37 (hg19) VCF-style: chr18-28673600-T-C.
Other names: c.-354A>G (NM_001406506.1, NM_001406507.1); c.76A>G, p.Ile26Val (NM_004949.5); short protein forms I26V.
Identifiers: ClinVar variation 2722244 (VCV002722244.4), dbSNP rs1362597154, ClinGen allele CA402115177.
Genomic context (GRCh38, chr18:31,093,637, plus strand): 5'-CGGCATCTAGTTTGGAGGGAACATGTAATGTCACATTTTTGCAGGCATCACTGGCAAATA[T>C]TAAGATCTAAAAAATGAAAAAAAATCAAATAAATATTATGCATAAAAAGAAAACTTTAAT-3'
Protein context (NP_077740.1, residues 16-36): RLLLLTLAIL[Ile26Val]FASDACKNVT